The following is an entry in ClinVar:

NM_001242882.2(NAXD):c.164A>G (p.Asp55Gly)

Gene: NAXD (NAD(P)HX dehydratase; plus strand). Cytogenetic location: 13q34.
Variant type: single nucleotide variant.
Coding change: c.164A>G on transcript NM_001242882.2 (MANE Select); coding-DNA position 164, A replaced by G.
Protein change: p.Asp55Gly; replaces aspartic acid 55 with glycine.
Molecular consequence: missense variant. On other transcripts: non-coding transcript variant (2), intron variant (1).
Genome position (GRCh38, 1-based): chr13:110,622,333, A>G. VCF-style: chr13-110622333-A-G. GRCh37 (hg19) VCF-style: chr13-111274680-A-G.
Other names: c.218A>G, p.Asp73Gly (NM_001242881.2, NM_018210.4); c.57-5106A>G (NM_001242883.2); short protein forms D73G, D55G.
Identifiers: ClinVar variation 2075518 (VCV002075518.5), dbSNP rs543196301, ClinGen allele CA7051059.

ClinVar aggregate classification (germline): Uncertain significance. Review status: criteria provided, multiple submitters, no conflicts (2 of 4 stars). 2 submissions from 2 submitters: Uncertain significance (2). Last evaluated 2022-10-13.

Conditions:
Inborn genetic diseases. Identifiers: MedGen C0950123, MeSH D030342.

Allele frequency attached by ClinVar (database versions not stated): gnomAD 0.00005; ExAC 0.00006; 1000 Genomes Project 30x 0.00016; gnomAD exomes 0.00001; TOPMed 0.00005; 1000 Genomes Project 0.00020.

Submissions (2):

Labcorp Genetics (formerly Invitae), Labcorp
Classification: Uncertain significance. Last evaluated: 2022-10-13. Review status: criteria provided, single submitter. Criteria: Invitae Variant Classification Sherloc (09022015). Collection method: clinical testing. Allele origin: germline.
Comment: This sequence change replaces aspartic acid, which is acidic and polar, with glycine, which is neutral and non-polar, at codon 73 of the NAXD protein (p.Asp73Gly). In summary, the available evidence is currently insufficient to determine the role of this variant in disease. Therefore, it has been classified as a Variant of Uncertain Significance. Algorithms developed to predict the effect of sequence changes on RNA splicing suggest that this variant may create or strengthen a splice site. Advanced modeling of protein sequence and biophysical properties (such as structural, functional, and spatial information, amino acid conservation, physicochemical variation, residue mobility, and thermodynamic stability) performed at Invitae indicates that this missense variant is not expected to disrupt NAXD protein function. This variant has not been reported in the literature in individuals affected with NAXD-related conditions. This variant is present in population databases (rs543196301, gnomAD 0.01%).

Ambry Genetics
Classification: Uncertain significance for Inborn genetic diseases. Last evaluated: 2021-08-02. Review status: criteria provided, single submitter. Criteria: Ambry Variant Classification Scheme 2023. Collection method: clinical testing. Allele origin: germline.